The following is an entry in ClinVar:

NM_004341.5(CAD):c.1984G>A (p.Val662Ile)

Gene: CAD (carbamoyl-phosphate synthetase 2, aspartate transcarbamylase, and dihydroorotase; plus strand). Cytogenetic location: 2p23.3.
Variant type: single nucleotide variant.
Coding change: c.1984G>A on transcript NM_004341.5 (MANE Select); coding-DNA position 1984, G replaced by A.
Protein change: p.Val662Ile; replaces valine 662 with isoleucine.
Molecular consequence: missense variant. On other transcripts: intron variant (1).
Genome position (GRCh38, 1-based): chr2:27,226,272, G>A. VCF-style: chr2-27226272-G-A. GRCh37 (hg19) VCF-style: chr2-27449140-G-A.
Other names: c.1843-253G>A (NM_001306079.2); c.1984G>A (NM_004341.3); short protein forms V662I.
Identifiers: ClinVar variation 1343588 (VCV001343588.6), dbSNP rs147722428, ClinGen allele CA1572876.

ClinVar aggregate classification (germline): Uncertain significance. Review status: criteria provided, multiple submitters, no conflicts (2 of 4 stars). 3 submissions from 3 submitters: Uncertain significance (3). Last evaluated 2022-08-10.

Conditions:
Inborn genetic diseases. Identifiers: MedGen C0950123, MeSH D030342.
Developmental and epileptic encephalopathy, 50 (DEE50). Also called: Epileptic encephalopathy, early infantile, 50. Identifiers: Orphanet 448010, MedGen C4225320, MONDO:0014647, OMIM 616457.

Allele frequency attached by ClinVar (database versions not stated): ESP Exome Variant Server 0.00077; ExAC 0.00024; gnomAD exomes 0.00030 and 0.00016.
gnomAD v4.1: 454 of 1,614,112 alleles (0.028%); highest among the groups gnomAD compares: Non-Finnish European, 0.037%; no homozygotes.

Submissions (3):

Labcorp Genetics (formerly Invitae), Labcorp
Classification: Uncertain significance. Last evaluated: 2022-08-10. Review status: criteria provided, single submitter. Criteria: Invitae Variant Classification Sherloc (09022015). Collection method: clinical testing. Allele origin: germline.
Comment: This sequence change replaces valine, which is neutral and non-polar, with isoleucine, which is neutral and non-polar, at codon 662 of the CAD protein (p.Val662Ile). This variant is present in population databases (rs147722428, gnomAD 0.04%). This variant has not been reported in the literature in individuals affected with CAD-related conditions. ClinVar contains an entry for this variant (Variation ID: 1343588). Algorithms developed to predict the effect of missense changes on protein structure and function output the following: SIFT: "Tolerated"; PolyPhen-2: "Benign"; Align-GVGD: "Class C0". The isoleucine amino acid residue is found in multiple mammalian species, which suggests that this missense change does not adversely affect protein function. In summary, the available evidence is currently insufficient to determine the role of this variant in disease. Therefore, it has been classified as a Variant of Uncertain Significance.

Women's Health and Genetics/Laboratory Corporation of America, LabCorp
Classification: Uncertain significance. Last evaluated: 2022-02-18. Review status: criteria provided, single submitter. Criteria: LabCorp Variant Classification Summary - May 2015. Collection method: clinical testing. Allele origin: germline.

Ambry Genetics
Classification: Uncertain significance for Inborn genetic diseases. Last evaluated: 2021-01-26. Review status: criteria provided, single submitter. Criteria: Ambry Variant Classification Scheme 2023. Collection method: clinical testing. Allele origin: germline.
Comment: The c.1984G>A (p.V662I) alteration is located in exon 13 (coding exon 13) of the CAD gene. This alteration results from a G to A substitution at nucleotide position 1984, causing the valine (V) at amino acid position 662 to be replaced by an isoleucine (I). The p.V662I alteration is predicted to be tolerated by in silico analysis. Based on insufficient or conflicting evidence, the clinical significance of this alteration remains unclear.